The following is an entry in ClinVar:

ClinVar aggregate classification (germline): Uncertain significance (1 of 4 stars; one submission).

Submission:

Labcorp Genetics (formerly Invitae), Labcorp
Classification: Uncertain significance. Last evaluated: 2025-06-03. Review status: criteria provided, single submitter. Criteria: Invitae Variant Classification Sherloc (09022015). Collection method: clinical testing. Allele origin: germline.
Comment: This sequence change replaces glycine, which is neutral and non-polar, with aspartic acid, which is acidic and polar, at codon 802 of the TCF20 protein (p.Gly802Asp). This variant is not present in population databases (gnomAD no frequency). This variant has not been reported in the literature in individuals affected with TCF20-related conditions. An algorithm developed to predict the effect of missense changes on protein structure and function (PolyPhen-2) suggests that this variant is likely to be disruptive. In summary, the available evidence is currently insufficient to determine the role of this variant in disease. Therefore, it has been classified as a Variant of Uncertain Significance.

NM_001378418.1(TCF20):c.2405G>A (p.Gly802Asp)

Gene: TCF20 (transcription factor 20; minus strand). Cytogenetic location: 22q13.2.
Variant type: single nucleotide variant.
Coding change: c.2405G>A on transcript NM_001378418.1 (MANE Select); coding-DNA position 2405, G replaced by A.
Protein change: p.Gly802Asp; replaces glycine 802 with aspartic acid.
Molecular consequence: missense variant.
Genome position (GRCh38, 1-based): chr22:42,212,901, C>T on the plus strand (G>A on the coding strand, the complement: TCF20 is on the minus strand). VCF-style: chr22-42212901-C-T. GRCh37 (hg19) VCF-style: chr22-42608907-C-T.
Other names: c.2405G>A, p.Gly802Asp (NM_005650.4, NM_181492.3); short protein forms G802D.
Identifiers: ClinVar variation 4719580 (VCV004719580.1).